The following is an entry in ClinVar:

ClinVar aggregate classification (germline): Pathogenic. Review status: criteria provided, multiple submitters, no conflicts (2 of 4 stars). 2 submissions from 2 submitters: Pathogenic (2). Last evaluated 2025-12-06.

Conditions:
Familial X-linked hypophosphatemic vitamin D refractory rickets (XLHRD). Also called: HYPOPHOSPHATEMIC VITAMIN D-RESISTANT RICKETS; Hypophosphatemia, vitamin D-resistant rickets; Vitamin D-resistant rickets, X-linked; X-Linked Hypophosphatemia; Hypophosphatemic Rickets, X-Linked Dominant. Identifiers: Orphanet 89936, MedGen C0733682, MONDO:0010619, OMIM 307800.

Submissions (2):

Labcorp Genetics (formerly Invitae), Labcorp
Classification: Pathogenic. Last evaluated: 2025-12-06. Review status: criteria provided, single submitter. Criteria: Invitae Variant Classification Sherloc (09022015). Collection method: clinical testing. Allele origin: germline.
Comment: This sequence change creates a premature translational stop signal (p.Trp403*) in the PHEX gene. It is expected to result in an absent or disrupted protein product. Loss-of-function variants in PHEX are known to be pathogenic (PMID: 9097956, 9106524, 19219621). This variant is not present in population databases (gnomAD no frequency). This premature translational stop signal has been observed in individuals with hypophosphatemia (PMID: 19219621, 30920082). It has also been observed to segregate with disease in related individuals. ClinVar contains an entry for this variant (Variation ID: 803753). For these reasons, this variant has been classified as Pathogenic.

Mendelics
Classification: Pathogenic for Familial X-linked hypophosphatemic vitamin D refractory rickets. Last evaluated: 2019-05-28. Review status: criteria provided, single submitter. Criteria: Mendelics Assertion Criteria 2017. Collection method: clinical testing. Allele origin: unknown.

Literature cited by the submitters: PubMed 9097956 (cited by Labcorp Genetics (formerly Invitae), Labcorp); PubMed 9106524 (cited by Labcorp Genetics (formerly Invitae), Labcorp); PubMed 19219621 (cited by Labcorp Genetics (formerly Invitae), Labcorp); PubMed 30920082 (cited by Labcorp Genetics (formerly Invitae), Labcorp).

NM_000444.6(PHEX):c.1208G>A (p.Trp403Ter)

Gene: PHEX (phosphate regulating endopeptidase X-linked; plus strand). Cytogenetic location: Xp22.11.
Variant type: single nucleotide variant.
Coding change: c.1208G>A on transcript NM_000444.6 (MANE Select); coding-DNA position 1208, G replaced by A.
Protein change: p.Trp403Ter; replaces tryptophan 403 with a stop codon.
Molecular consequence: nonsense.
Genome position (GRCh38, 1-based): chrX:22,114,492, G>A. VCF-style: chrX-22114492-G-A. GRCh37 (hg19) VCF-style: chrX-22132610-G-A.
Other names: c.1208G>A, p.Trp403Ter (NM_001282754.2); short protein forms W403*.
Identifiers: ClinVar variation 803753 (VCV000803753.10), dbSNP rs1602307078, ClinGen allele CA412573365.